The following is an entry in ClinVar:

NM_000288.4(PEX7):c.780T>C (p.Ser260=)

Gene: PEX7 (peroxisomal biogenesis factor 7; plus strand). Cytogenetic location: 6q23.3.
Variant type: single nucleotide variant.
Coding change: c.780T>C on transcript NM_000288.4 (MANE Select); coding-DNA position 780, T replaced by C.
Protein change: p.Ser260=; no amino-acid change (serine 260 retained).
Molecular consequence: synonymous variant.
Genome position (GRCh38, 1-based): chr6:136,872,230, T>C. VCF-style: chr6-136872230-T-C. GRCh37 (hg19) VCF-style: chr6-137193368-T-C.
Other names: c.780T>C (NM_000288.3).
Identifiers: ClinVar variation 1587882 (VCV001587882.11), dbSNP rs2115228945, ClinGen allele CA452228794.

ClinVar aggregate classification (germline): Likely benign. Review status: criteria provided, multiple submitters, no conflicts (2 of 4 stars). 3 submissions from 3 submitters: Likely benign (2). 1 of the submissions does not count toward it. Last evaluated 2022-11-08.

Conditions:
PEX7-related disorder. Also called: PEX7-related disorders; PEX7-related condition. Identifiers: MedGen CN239409.
Peroxisome biogenesis disorder 9B. Also called: Refsum disease, adult, 2; PEX7-Related Refsum Disease; PEROXISOME BIOGENESIS DISORDER, PEX7-RELATED, ATYPICAL. Identifiers: Orphanet 773, MedGen C2749346, MONDO:0013945, OMIM 614879.

Allele frequency attached by ClinVar (database versions not stated): gnomAD exomes below 0.00001.
gnomAD v4.1: 2 of 1,610,774 alleles (0.00012%); highest among the groups gnomAD compares: Admixed American, 0.0017%; no homozygotes.

Submissions (3):

Blueprint Genetics
Classification: Likely benign. Last evaluated: 2022-11-08. Review status: criteria provided, single submitter. Criteria: ACMG Guidelines, 2015. Collection method: clinical testing. Allele origin: germline.

Labcorp Genetics (formerly Invitae), Labcorp
Classification: Likely benign for Peroxisome biogenesis disorder 9B. Last evaluated: 2022-02-10. Review status: criteria provided, single submitter. Criteria: Invitae Variant Classification Sherloc (09022015). Collection method: clinical testing. Allele origin: germline.

PreventionGenetics, part of Exact Sciences
Classification: Likely benign for PEX7-related condition. Last evaluated: 2022-12-15. Review status: no assertion criteria provided. Collection method: clinical testing. Allele origin: germline. Not counted in ClinVar's aggregate classification.
Comment: This variant is classified as likely benign based on ACMG/AMP sequence variant interpretation guidelines (Richards et al. 2015 PMID: 25741868, with internal and published modifications).